The following is an entry in ClinVar:

ClinVar aggregate classification (germline): Likely benign (0 of 4 stars; one submission).

Conditions:
LIPK-related disorder. Also called: LIPK-related condition.

Allele frequency attached by ClinVar (database versions not stated): 1000 Genomes Project 30x 0.00125; 1000 Genomes Project 0.00140; gnomAD 0.00206; TOPMed 0.00249; ESP Exome Variant Server 0.00314; ExAC 0.00396.
gnomAD v4.1: 4,691 of 1,485,516 alleles (0.32%); highest among the groups gnomAD compares: Non-Finnish European, 0.38%; 15 homozygotes.

Submission:

PreventionGenetics, part of Exact Sciences
Classification: Likely benign for LIPK-related condition. Last evaluated: 2023-05-30. Review status: no assertion criteria provided. Collection method: clinical testing. Allele origin: germline.
Comment: This variant is classified as likely benign based on ACMG/AMP sequence variant interpretation guidelines (Richards et al. 2015 PMID: 25741868, with internal and published modifications).

NM_001080518.2(LIPK):c.107G>A (p.Ser36Asn)

Gene: LIPK (lipase family member K; plus strand). Cytogenetic location: 10q23.31.
Variant type: single nucleotide variant.
Coding change: c.107G>A on transcript NM_001080518.2 (MANE Select); coding-DNA position 107, G replaced by A.
Protein change: p.Ser36Asn; replaces serine 36 with asparagine.
Molecular consequence: missense variant.
Genome position (GRCh38, 1-based): chr10:88,726,796, G>A. VCF-style: chr10-88726796-G-A. GRCh37 (hg19) VCF-style: chr10-90486553-G-A.
Other names: c.107G>A, p.Ser36Asn (NM_001378091.1); short protein forms S36N.
Identifiers: ClinVar variation 3043954 (VCV003043954.2), dbSNP rs55788049, ClinGen allele CA5591389.
Genomic context (GRCh38, chr10:88,726,796, plus strand): 5'-CATGTGTAAAAATTAAGAGATTATAACATGAAGGTATATATTTCCTTTCCTCTTTTTAGA[G>A]CCAGATTATTTCTTACTGGGGTTATCCTTATGAAGAGTATGATGTTACAACAAAAGATGG-3'
Protein context (NP_001073987.1, residues 26-46): NANPEANMNI[Ser36Asn]QIISYWGYPY